The following is an entry in ClinVar:

ClinVar aggregate classification (germline): Pathogenic. Review status: criteria provided, multiple submitters, no conflicts (2 of 4 stars). 9 submissions from 9 submitters: Pathogenic (6). 3 of the submissions do not count toward it. Last evaluated 2025-11-23.

Conditions:
Ellis-van Creveld syndrome (EVC). Also called: Chondroectodermal dysplasia; MESOECTODERMAL DYSPLASIA. Identifiers: Orphanet 289, MedGen C0013903, MONDO:0009162, OMIM 225500.
Curry-Hall syndrome (WAD). Also called: WEYERS ACRODENTAL DYSOSTOSIS. Identifiers: Orphanet 952, MedGen C0457013, MONDO:0008673, OMIM 193530.

Allele frequency attached by ClinVar (database versions not stated): TOPMed below 0.00001; gnomAD exomes 0.00001 and 0.00002; ExAC 0.00002; gnomAD 0.00001.

Submissions (9):

Dasa
Classification: Pathogenic. Last evaluated: 2025-11-23. Review status: criteria provided, single submitter. Criteria: DASA Assertion Criteria. Collection method: clinical testing. Allele origin: germline.
Comment: NM_153717.3(EVC):c.873dup (p.Glu292*) introduces a premature termination codon predicted to result in loss of normal protein function. Loss-of-function is an established mechanism of disease for this gene. This variant has been recurrently observed in affected individuals with related phenotype in a genotype context consistent with recessive disease (PMID: 17024374; PMID: 19810119). The variant is present at low frequency in population datasets. Based on the available data, this variant is classified as pathogenic.

Natera, Inc.
Classification: Pathogenic for Ellis-van Creveld syndrome. Last evaluated: 2025-09-08. Review status: criteria provided, single submitter. Criteria: Natera Variant Classification Schema (03/2026). Collection method: clinical testing. Allele origin: germline.
Comment: The c.873dupT variant in EVC is a frameshift variant predicted to shift the reading frame and introduce a stop codon. This variant is expected to result in nonsense mediated decay, truncation, or a dysfunctional protein product. This variant is rare in the general population with a frequency below the threshold expected for the associated phenotype(s). This variant has been observed in one or more individuals affected with the associated recessive disease, as either homozygous or compound heterozygous with a second variant (PMID: 19810119). Given the available evidence, this variant is classified as Pathogenic.

3billion
Classification: Pathogenic for Ellis-van Creveld syndrome. Last evaluated: 2025-04-17. Review status: criteria provided, single submitter. Criteria: ACMG Guidelines, 2015. Collection method: clinical testing. Allele origin: germline. Affected: yes.
Comment: The variant is observed at an extremely low frequency in the gnomAD v4.1.0 dataset (total allele frequency: <0.001%). The variant is observed at an extremely low frequency in the gnomAD v4.1.0 dataset (total allele frequency: <0.001%). Stop-gained (nonsense): predicted to result in a loss or disruption of normal protein function through nonsense-mediated decay (NMD) or protein truncation. Multiple pathogenic variants are reported downstream of the variant. The variant was homozygous. The variant has been reported at least twice as pathogenic with clinical assertions and evidence for the classification (ClinVar ID: VCV000551674 / PMID: 17024374). Therefore, this variant is classified as Pathogenic according to the recommendation of ACMG/AMP guideline.

Labcorp Genetics (formerly Invitae), Labcorp
Classification: Pathogenic for Curry-Hall syndrome; Ellis-van Creveld syndrome. Last evaluated: 2023-03-08. Review status: criteria provided, single submitter. Criteria: Invitae Variant Classification Sherloc (09022015). Collection method: clinical testing. Allele origin: germline.
Comment: This sequence change creates a premature translational stop signal (p.Glu292*) in the EVC gene. It is expected to result in an absent or disrupted protein product. Loss-of-function variants in EVC are known to be pathogenic (PMID: 23220543). For these reasons, this variant has been classified as Pathogenic. This variant is present in population databases (rs527255616, gnomAD 0.004%). This premature translational stop signal has been observed in individuals with Ellis-van Creveld syndrome (PMID: 17024374, 19810119). ClinVar contains an entry for this variant (Variation ID: 551674).

Laboratorio de Genetica e Diagnostico Molecular, Hospital Israelita Albert Einstein
Classification: Pathogenic for Ellis-van Creveld syndrome. Last evaluated: 2023-02-03. Review status: criteria provided, single submitter. Criteria: ACMG Guidelines, 2015. Collection method: clinical testing. Allele origin: germline. Affected: yes. Observed: 1 variant allele.
Comment: ACMG classification criteria: PVS1 very strong, PM2 supporting, PM3 strong

Fulgent Genetics
Classification: Pathogenic for Curry-Hall syndrome; Ellis-van Creveld syndrome. Last evaluated: 2022-02-17. Review status: criteria provided, single submitter. Criteria: ACMG Guidelines, 2015. Collection method: clinical testing. Allele origin: unknown.

Counsyl
Classification: Pathogenic for Ellis-van Creveld syndrome. Last evaluated: 2017-05-04. Review status: no assertion criteria provided. Collection method: clinical testing. Allele origin: unknown. Not counted in ClinVar's aggregate classification.

Clinical Genetics DNA and cytogenetics Diagnostics Lab, Erasmus MC, Erasmus Medical Center
Classification: Pathogenic. Review status: no assertion criteria provided. Collection method: clinical testing. Allele origin: germline. Affected: yes. Study: VKGL Data-share Consensus. Not counted in ClinVar's aggregate classification.

Joint Genome Diagnostic Labs from Nijmegen and Maastricht, Radboudumc and MUMC+
Classification: Pathogenic. Review status: no assertion criteria provided. Collection method: clinical testing. Allele origin: germline. Affected: yes. Study: VKGL Data-share Consensus. Not counted in ClinVar's aggregate classification.

Literature cited by the submitters: PubMed 17024374 (cited by 4 submitters); PubMed 19810119 (cited by 3 submitters); PubMed 23220543 (cited by Labcorp Genetics (formerly Invitae), Labcorp).

NM_153717.3(EVC):c.873dup (p.Glu292Ter)

Gene: EVC (EvC ciliary complex subunit 1; plus strand). Cytogenetic location: 4p16.2.
Variant type: Duplication.
Coding change: c.873dup on transcript NM_153717.3 (MANE Select); coding-DNA position 873, one base duplicated (T; older notation c.873dupT).
Protein change: p.Glu292Ter; replaces glutamic acid 292 with a stop codon.
Molecular consequence: nonsense.
Genome position (GRCh38, 1-based): chr4:5,745,275, T duplicated. VCF-style (leftmost placement, unchanged base first): chr4-5745274-C-CT. GRCh37 (hg19) VCF-style: chr4-5747001-C-CT.
Other names: c.873dup, p.Glu292Ter (NM_001306090.2, NM_001306092.2); c.873dupT (NM_153717.3, NM_153717.2); short protein forms E292*.
Identifiers: ClinVar variation 551674 (VCV000551674.19), dbSNP rs527255616, ClinGen allele CA2835898.